The following is an entry in ClinVar:

ClinVar aggregate classification (germline): Benign. Review status: criteria provided, single submitter (1 of 4 stars). 2 submissions from 1 submitter: Benign (2). Last evaluated 2018-01-12.

Conditions:
Rhabdoid tumor predisposition syndrome 1 (RTPS1). Also called: Familial Posterior Fossa Brain Tumor of Infancy. Identifiers: Orphanet 231108, Orphanet 69077, MedGen C1836327, MONDO:0012252, OMIM 609322.
SMARCB1-related schwannomatosis. Also called: SWNTS1; Schwannomatosis 1. Identifiers: Orphanet 93921, MedGen C4048809, MONDO:0024517, OMIM 162091. Disease mechanism: loss of function.

Allele frequency attached by ClinVar (database versions not stated): gnomAD exomes 0.00002 and 0.00006; TOPMed 0.00003; ExAC 0.00005.
gnomAD v4.1: 26 of 1,582,096 alleles (0.0016%); highest among the groups gnomAD compares: East Asian, 0.057%; no homozygotes.

Submissions (2):

Illumina Laboratory Services, Illumina
Classification: Benign for Rhabdoid tumor predisposition syndrome 1. Last evaluated: 2018-01-12. Review status: criteria provided, single submitter. Criteria: ICSL Variant Classification Criteria 13 December 2019. Collection method: clinical testing. Allele origin: germline.
Comment: This variant was observed in the ICSL laboratory as part of a predisposition screen in an ostensibly healthy population. It had not been previously curated by ICSL or reported in the Human Gene Mutation Database (HGMD: prior to June 1st, 2018), and was therefore a candidate for classification through an automated scoring system. Utilizing variant allele frequency, disease prevalence and penetrance estimates, and inheritance mode, an automated score was calculated to assess if this variant is too frequent to cause the disease. Based on the score and internal cut-off values, a variant classified as benign is not then subjected to further curation. The score for this variant resulted in a classification of benign for this disease.

Illumina Laboratory Services, Illumina
Classification: Benign for SMARCB1-related schwannomatosis. Last evaluated: 2018-01-12. Review status: criteria provided, single submitter. Criteria: ICSL Variant Classification Criteria 13 December 2019. Collection method: clinical testing. Allele origin: germline.
Comment: the same text as in the submission from Illumina Laboratory Services, Illumina above.

NM_003073.5(SMARCB1):c.-17C>T

Gene: SMARCB1 (SWI/SNF related BAF chromatin remodeling complex subunit B1; plus strand). Cytogenetic location: 22q11.23.
Variant type: single nucleotide variant.
Coding change: c.-17C>T on transcript NM_003073.5 (MANE Select); 17 bases upstream of the start codon, C replaced by T.
Molecular consequence: 5 prime UTR variant.
Genome position (GRCh38, 1-based): chr22:23,787,153, C>T. VCF-style: chr22-23787153-C-T. GRCh37 (hg19) VCF-style: chr22-24129340-C-T.
Other names: c.-17C>T (LRG_520t1, NM_001007468.3, NM_001317946.2 and 1 more transcripts).
Identifiers: ClinVar variation 340911 (VCV000340911.5), dbSNP rs372777519, ClinGen allele CA10145806.